The following is an entry in ClinVar:

ClinVar aggregate classification (germline): Uncertain significance. Review status: criteria provided, multiple submitters, no conflicts (2 of 4 stars). 2 submissions from 2 submitters: Uncertain significance (2). Last evaluated 2025-10-10.

Allele frequency attached by ClinVar (database versions not stated): ExAC 0.00007.
gnomAD v4.1: 57 of 1,614,018 alleles (0.0035%); highest among the groups gnomAD compares: Admixed American, 0.093%; no homozygotes.

Submissions (2):

Labcorp Genetics (formerly Invitae), Labcorp
Classification: Uncertain significance. Last evaluated: 2025-10-10. Review status: criteria provided, single submitter. Criteria: Invitae Variant Classification Sherloc (09022015). Collection method: clinical testing. Allele origin: germline.
Comment: This sequence change replaces asparagine, which is neutral and polar, with isoleucine, which is neutral and non-polar, at codon 1800 of the CELSR2 protein (p.Asn1800Ile). This variant is present in population databases (rs747905173, gnomAD 0.1%), and has an allele count higher than expected for a pathogenic variant. This variant has not been reported in the literature in individuals affected with CELSR2-related conditions. ClinVar contains an entry for this variant (Variation ID: 1367036). Invitae Evidence Modeling of protein sequence and biophysical properties (such as structural, functional, and spatial information, amino acid conservation, physicochemical variation, residue mobility, and thermodynamic stability) indicates that this missense variant is not expected to disrupt CELSR2 protein function with a negative predictive value of 80%. In summary, the available evidence is currently insufficient to determine the role of this variant in disease. Therefore, it has been classified as a Variant of Uncertain Significance.

Ambry Genetics
Classification: Uncertain significance. Last evaluated: 2025-04-04. Review status: criteria provided, single submitter. Criteria: Ambry Variant Classification Scheme 2023. Collection method: clinical testing. Allele origin: germline.

NM_001408.3(CELSR2):c.5399A>T (p.Asn1800Ile)

Gene: CELSR2 (cadherin EGF LAG seven-pass G-type receptor 2; plus strand). Cytogenetic location: 1p13.3.
Variant type: single nucleotide variant.
Coding change: c.5399A>T on transcript NM_001408.3 (MANE Select); coding-DNA position 5399, A replaced by T.
Protein change: p.Asn1800Ile; replaces asparagine 1800 with isoleucine.
Molecular consequence: missense variant.
Genome position (GRCh38, 1-based): chr1:109,264,563, A>T. VCF-style: chr1-109264563-A-T. GRCh37 (hg19) VCF-style: chr1-109807185-A-T.
Other names: c.5399A>T (NM_001408.2); short protein forms N1800I.
Identifiers: ClinVar variation 1367036 (VCV001367036.7), dbSNP rs747905173, ClinGen allele CA987537.
Genomic context (GRCh38, chr1:109,264,563, plus strand): 5'-GCCATGGGGAGAGCATCAACGTGGAGCAAGGCTGTAGCCTGCCTGACCCTTGTGACTCAA[A>T]CCCGTGTCCTGCTAACAGCTATTGCAGCAACGACTGGGACAGCTATTCCTGCAGCTGTGA-3'
Protein context (NP_001399.1, residues 1790-1810): GCSLPDPCDS[Asn1800Ile]PCPANSYCSN